The following is an entry in ClinVar:

NM_003647.3(DGKE):c.653C>A (p.Thr218Asn)

Gene: DGKE (diacylglycerol kinase epsilon; plus strand). Cytogenetic location: 17q22.
Variant type: single nucleotide variant.
Coding change: c.653C>A on transcript NM_003647.3 (MANE Select); coding-DNA position 653, C replaced by A.
Protein change: p.Thr218Asn; replaces threonine 218 with asparagine.
Molecular consequence: missense variant.
Genome position (GRCh38, 1-based): chr17:56,845,718, C>A. VCF-style: chr17-56845718-C-A. GRCh37 (hg19) VCF-style: chr17-54923079-C-A.
Other names: short protein forms T218N.
Identifiers: ClinVar variation 4776756 (VCV004776756.1).
Genomic context (GRCh38, chr17:56,845,718, plus strand): 5'-TAAACCTTTTCACTCATGGCAATTTTTTTTAGCTAGCCTCTAAGCTTGGAAAGCAGTGGA[C>A]CCCATTAATAATCCTGGCCAACTCTCGTAGTGGAACTAATATGGGAGAAGGACTGTTGGG-3'
Protein context (NP_003638.1, residues 208-228): VLASKLGKQW[Thr218Asn]PLIILANSRS

ClinVar aggregate classification (germline): Uncertain significance (1 of 4 stars; one submission).

Submission:

Labcorp Genetics (formerly Invitae), Labcorp
Classification: Uncertain significance. Last evaluated: 2025-02-06. Review status: criteria provided, single submitter. Criteria: Invitae Variant Classification Sherloc (09022015). Collection method: clinical testing. Allele origin: germline.
Comment: This sequence change replaces threonine, which is neutral and polar, with asparagine, which is neutral and polar, at codon 218 of the DGKE protein (p.Thr218Asn). This variant is not present in population databases (gnomAD no frequency). This variant has not been reported in the literature in individuals affected with DGKE-related conditions. Invitae Evidence Modeling of protein sequence and biophysical properties (such as structural, functional, and spatial information, amino acid conservation, physicochemical variation, residue mobility, and thermodynamic stability) indicates that this missense variant is not expected to disrupt DGKE protein function with a negative predictive value of 80%. In summary, the available evidence is currently insufficient to determine the role of this variant in disease. Therefore, it has been classified as a Variant of Uncertain Significance.